The following is an entry in ClinVar:

ClinVar aggregate classification (germline): Uncertain significance. Review status: criteria provided, multiple submitters, no conflicts (2 of 4 stars). 2 submissions from 2 submitters: Uncertain significance (2). Last evaluated 2025-10-07.

Conditions:
Charcot-Marie-Tooth disease axonal type 2O. Also called: CHARCOT-MARIE-TOOTH NEUROPATHY, AXONAL, TYPE 2O; CHARCOT-MARIE-TOOTH DISEASE, AXONAL, AUTOSOMAL DOMINANT, TYPE 2O; Charcot-Marie-Tooth Neuropathy Type 2O; Charcot-Marie-Tooth disease, axonal, type 20. Identifiers: Orphanet 284232, MedGen C3280220, MONDO:0013644, OMIM 614228.

gnomAD v4.1: 3 of 1,614,054 alleles (0.00019%); highest among the groups gnomAD compares: Non-Finnish European, 0.00017%; no homozygotes.

Submissions (2):

Mayo Clinic Laboratories, Mayo Clinic
Classification: Uncertain significance. Last evaluated: 2025-10-07. Review status: criteria provided, single submitter. Criteria: ACMG Guidelines, 2015. Collection method: clinical testing. Allele origin: germline. Observed: 1 variant allele.

Labcorp Genetics (formerly Invitae), Labcorp
Classification: Uncertain significance for Charcot-Marie-Tooth disease axonal type 2O. Last evaluated: 2025-02-09. Review status: criteria provided, single submitter. Criteria: Invitae Variant Classification Sherloc (09022015). Collection method: clinical testing. Allele origin: germline.
Comment: This sequence change replaces threonine, which is neutral and polar, with methionine, which is neutral and non-polar, at codon 4160 of the DYNC1H1 protein (p.Thr4160Met). This variant is not present in population databases (gnomAD no frequency). This variant has not been reported in the literature in individuals affected with DYNC1H1-related conditions. Invitae Evidence Modeling of protein sequence and biophysical properties (such as structural, functional, and spatial information, amino acid conservation, physicochemical variation, residue mobility, and thermodynamic stability) indicates that this missense variant is not expected to disrupt DYNC1H1 protein function with a negative predictive value of 95%. In summary, the available evidence is currently insufficient to determine the role of this variant in disease. Therefore, it has been classified as a Variant of Uncertain Significance.

NM_001376.5(DYNC1H1):c.12479C>T (p.Thr4160Met)

Gene: DYNC1H1 (dynein cytoplasmic 1 heavy chain 1; plus strand). Cytogenetic location: 14q32.31.
Variant type: single nucleotide variant.
Coding change: c.12479C>T on transcript NM_001376.5 (MANE Select); coding-DNA position 12479, C replaced by T.
Protein change: p.Thr4160Met; replaces threonine 4160 with methionine.
Molecular consequence: missense variant.
Genome position (GRCh38, 1-based): chr14:102,042,714, C>T. VCF-style: chr14-102042714-C-T. GRCh37 (hg19) VCF-style: chr14-102509051-C-T.
Other names: p.Thr4160Met; short protein forms T4160M.
Identifiers: ClinVar variation 4541908 (VCV004541908.2).
Genomic context (GRCh38, chr14:102,042,714, plus strand): 5'-GTGCGGGCCGCATCTTTGTGTTCGAGCCACCGCCAGGGGTGAAGGCCAACATGCTGAGGA[C>T]GTTCAGCAGCATTCCCGTCTCACGGATATGCAAGGTAAGTACCTTGTCCTCCTGGTATGC-3'
Protein context (NP_001367.2, residues 4150-4170): PPGVKANMLR[Thr4160Met]FSSIPVSRIC